The following is an entry in ClinVar:

ClinVar aggregate classification (germline): Pathogenic/Likely pathogenic. Review status: criteria provided, multiple submitters, no conflicts (2 of 4 stars). 3 submissions from 3 submitters: Pathogenic (1); Likely pathogenic (2). Last evaluated 2025-08-28.

Conditions:
Dilated cardiomyopathy 1G (CMD1G). Identifiers: Orphanet 154, MedGen C1858763, MONDO:0011400, OMIM 604145.
Autosomal recessive limb-girdle muscular dystrophy type 2J (LGMDR10). Also called: MUSCULAR DYSTROPHY, LIMB-GIRDLE, AUTOSOMAL RECESSIVE 10; Limb-girdle muscular dystrophy, type 2J. Identifiers: Orphanet 140922, MedGen C1837342, MONDO:0012127, OMIM 608807.
Cardiovascular phenotype. Identifiers: MedGen CN230736.

gnomAD v4.1: 2 of 1,598,534 alleles (0.00013%); highest among the groups gnomAD compares: Non-Finnish European, 0.00017%; no homozygotes.

Submissions (3):

Ambry Genetics
Classification: Pathogenic for Cardiovascular phenotype. Last evaluated: 2025-08-28. Review status: criteria provided, single submitter. Criteria: Ambry Variant Classification Scheme 2023. Collection method: clinical testing. Allele origin: germline.
Comment: The p.K23933* pathogenic mutation (also known as c.71797A>T), located in coding exon 181 of the TTN gene, results from an A to T substitution at nucleotide position 71797. This changes the amino acid from a lysine to a stop codon within coding exon 181. This exon is located in the A-band region of the N2-B isoform of the titin protein and is constitutively expressed in TTN transcripts (percent spliced in or PSI 100%). This variant was reported in individual(s) with features consistent with dilated cardiomyopathy (Stava TT et al. Eur J Prev Cardiol, 2022 Oct;29:1789-1799; Ambry internal data). Note, this variant is also referred to as NM_001267550.1:c.98992A>T, p.K32998* in the literature. This variant is considered to be rare based on population cohorts in the Genome Aggregation Database (gnomAD). This variant is expected to result in loss of function by premature protein truncation or nonsense-mediated mRNA decay. While truncating variants in TTN are present in 1-3% of the general population, truncating variants in the A-band are the most common cause of dilated cardiomyopathy (Herman DS et al. N. Engl. J. Med., 2012 Feb;366:619-28; Roberts AM et al. Sci Transl Med, 2015 Jan;7:270ra6). TTN truncating variants encoded in constitutive exons (PSI >90%) have been found to be significantly associated with DCM regardless of their position in titin (Schafer S et al. Nat. Genet., 2017 01;49:46-53; Akhtar MM et al. Circ Heart Fail, 2020 Oct;13:e006832; Massier M et al. Clin Genet, 2025 Jan). Based on the supporting evidence, this variant is interpreted as a disease-causing mutation.

Labcorp Genetics (formerly Invitae), Labcorp
Classification: Likely pathogenic for Dilated cardiomyopathy 1G; Autosomal recessive limb-girdle muscular dystrophy type 2J. Last evaluated: 2025-07-21. Review status: criteria provided, single submitter. Criteria: Invitae Variant Classification Sherloc (09022015). Collection method: clinical testing. Allele origin: germline.
Comment: This sequence change creates a premature translational stop signal (p.Lys32998*) in the TTN gene. While this is not anticipated to result in nonsense mediated decay, it is expected to create a truncated TTN protein. This variant is not present in population databases (gnomAD no frequency). This premature translational stop signal has been observed in individual(s) with dilated cardiomyopathy (PMID: 35653365). ClinVar contains an entry for this variant (Variation ID: 2929317). This variant is located in the A band of TTN (PMID: 25589632). Truncating variants in this region are significantly overrepresented in patients affected with dilated cardiomyopathy (PMID: 25589632). Truncating variants in this region have also been reported in individuals affected with autosomal recessive centronuclear myopathy (PMID: 23975875). In summary, the currently available evidence indicates that the variant is pathogenic, but additional data are needed to prove that conclusively. Therefore, this variant has been classified as Likely Pathogenic.

GeneDx
Classification: Likely pathogenic. Last evaluated: 2024-11-12. Review status: criteria provided, single submitter. Criteria: GeneDx Variant Classification Process June 2021. Collection method: clinical testing. Allele origin: germline. Affected: yes.
Comment: Identified in a patient with DCM in published literature (PMID: 35653365); Not observed at significant frequency in large population cohorts (gnomAD); Nonsense variant predicted to result in protein truncation or nonsense mediated decay in a gene for which loss of function is a known mechanism of disease; Located in the A-band region of TTN in which the majority of loss of function variants have been associated with autosomal dominant titinopathies (PMID: 22335739); This variant is associated with the following publications: (PMID: 35653365, 22335739)

Literature cited by the submitters: PubMed 35653365 (cited by Ambry Genetics and Labcorp Genetics (formerly Invitae), Labcorp); PubMed 25589632 (cited by Labcorp Genetics (formerly Invitae), Labcorp); PubMed 23975875 (cited by Labcorp Genetics (formerly Invitae), Labcorp).

NM_001267550.2(TTN):c.98992A>T (p.Lys32998Ter)

Genes: TTN-AS1 (TTN antisense RNA 1; plus strand), TTN (titin; minus strand). Cytogenetic location: 2q31.2.
Variant type: single nucleotide variant.
Coding change: c.98992A>T on transcript NM_001267550.2 (MANE Select); coding-DNA position 98992, A replaced by T.
Protein change: p.Lys32998Ter; replaces lysine 32998 with a stop codon.
Molecular consequence: nonsense. On other transcripts: non-coding transcript variant (1).
Genome position (GRCh38, 1-based): chr2:178,538,837, T>A on the plus strand (A>T on the coding strand, the complement: TTN is on the minus strand). VCF-style: chr2-178538837-T-A. GRCh37 (hg19) VCF-style: chr2-179403564-T-A.
Other names: c.94069A>T, p.Lys31357Ter (NM_001256850.1); c.71797A>T, p.Lys23933Ter (NM_003319.4); c.91288A>T, p.Lys30430Ter (NM_133378.4); c.72172A>T, p.Lys24058Ter (NM_133432.3); c.72373A>T, p.Lys24125Ter (NM_133437.4); short protein forms K24125*, K30430*, K32998*, K23933*, K24058*, K31357*.
Identifiers: ClinVar variation 2929317 (VCV002929317.5), dbSNP rs747243608, ClinGen allele CA349431193.